The following is an entry in ClinVar:

ClinVar aggregate classification (germline): Uncertain significance (1 of 4 stars; one submission).

Conditions:
Charcot-Marie-Tooth disease type 4A. Also called: Charcot-Marie-Tooth disease, demyelinating, autosomal recessive, type 4a. Identifiers: Orphanet 99948, MedGen C1859198, MONDO:0008961, OMIM 214400.

Submission:

Labcorp Genetics (formerly Invitae), Labcorp
Classification: Uncertain significance for Charcot-Marie-Tooth disease type 4A. Last evaluated: 2022-08-18. Review status: criteria provided, single submitter. Criteria: Invitae Variant Classification Sherloc (09022015). Collection method: clinical testing. Allele origin: germline.
Comment: In summary, the available evidence is currently insufficient to determine the role of this variant in disease. Therefore, it has been classified as a Variant of Uncertain Significance. Advanced modeling of protein sequence and biophysical properties (such as structural, functional, and spatial information, amino acid conservation, physicochemical variation, residue mobility, and thermodynamic stability) performed at Invitae indicates that this missense variant is expected to disrupt GDAP1 protein function. This variant has not been reported in the literature in individuals affected with GDAP1-related conditions. This variant is present in population databases (rs779770529, gnomAD 0.003%). This sequence change replaces serine, which is neutral and polar, with phenylalanine, which is neutral and non-polar, at codon 169 of the GDAP1 protein (p.Ser169Phe).

NM_018972.4(GDAP1):c.506C>T (p.Ser169Phe)

Gene: GDAP1 (ganglioside induced differentiation associated protein 1; plus strand). Cytogenetic location: 8q21.11.
Variant type: single nucleotide variant.
Coding change: c.506C>T on transcript NM_018972.4 (MANE Select); coding-DNA position 506, C replaced by T.
Protein change: p.Ser169Phe; replaces serine 169 with phenylalanine.
Molecular consequence: missense variant.
Genome position (GRCh38, 1-based): chr8:74,361,905, C>T. VCF-style: chr8-74361905-C-T. GRCh37 (hg19) VCF-style: chr8-75274140-C-T.
Other names: c.302C>T, p.Ser101Phe (NM_001040875.4); c.179C>T, p.Ser60Phe (NM_001362929.2, NM_001362932.2); c.332C>T, p.Ser111Phe (NM_001362930.2); c.506C>T, p.Ser169Phe (NM_001362931.2); short protein forms S101F, S60F, S111F, S169F.
Identifiers: ClinVar variation 1896151 (VCV001896151.5), dbSNP rs779770529, ClinGen allele CA4785125.